The following is an entry in ClinVar:

ClinVar aggregate classification (germline): Likely benign. Review status: criteria provided, multiple submitters, no conflicts (2 of 4 stars). 3 submissions from 3 submitters: Likely benign (2). 1 of the submissions does not count toward it. Last evaluated 2025-09-29.

Conditions:
EP300-related disorder. Also called: EP300-related disorders; EP300-related condition.
Rubinstein-Taybi syndrome due to EP300 haploinsufficiency. Also called: EP300-Related Rubinstein-Taybi Syndrome; RUBINSTEIN-TAYBI SYNDROME 2. Identifiers: Orphanet 353284, Orphanet 783, MedGen C3150941, MONDO:0013364, OMIM 613684.

Allele frequency attached by ClinVar (database versions not stated): gnomAD exomes 0.00004 and 0.00006; TOPMed 0.00004 and 0.00005; ExAC 0.00007; gnomAD 0.00008 and 0.00010.
gnomAD v4.1: 68 of 1,593,656 alleles (0.0043%); highest among the groups gnomAD compares: Non-Finnish European, 0.004%; no homozygotes.

Submissions (3):

Labcorp Genetics (formerly Invitae), Labcorp
Classification: Likely benign for Rubinstein-Taybi syndrome due to EP300 haploinsufficiency. Last evaluated: 2025-09-29. Review status: criteria provided, single submitter. Criteria: Invitae Variant Classification Sherloc (09022015). Collection method: clinical testing. Allele origin: germline.

Blueprint Genetics
Classification: Likely benign. Last evaluated: 2023-05-04. Review status: criteria provided, single submitter. Criteria: ACMG Guidelines, 2015. Collection method: clinical testing. Allele origin: germline.

PreventionGenetics, part of Exact Sciences
Classification: Likely benign for EP300-related condition. Last evaluated: 2021-08-31. Review status: no assertion criteria provided. Collection method: clinical testing. Allele origin: germline. Not counted in ClinVar's aggregate classification.
Comment: This variant is classified as likely benign based on ACMG/AMP sequence variant interpretation guidelines (Richards et al. 2015 PMID: 25741868, with internal and published modifications).

NM_001429.4(EP300):c.3143-7T>G

Gene: EP300 (EP300 lysine acetyltransferase; plus strand). Cytogenetic location: 22q13.2.
Variant type: single nucleotide variant.
Coding change: c.3143-7T>G on transcript NM_001429.4 (MANE Select); 7 bases into the intron before coding-DNA position 3143, T replaced by G.
Molecular consequence: intron variant.
Genome position (GRCh38, 1-based): chr22:41,154,988, T>G. VCF-style: chr22-41154988-T-G. GRCh37 (hg19) VCF-style: chr22-41550992-T-G.
Other names: c.3065-7T>G (NM_001362843.2).
Identifiers: ClinVar variation 2807633 (VCV002807633.6), dbSNP rs778277906, ClinGen allele CA10253061.
Genomic context (GRCh38, chr22:41,154,988, plus strand): 5'-TGAATGATTTTTTAAAGTTCTTCTGCTTAATTGGTAACTAATTTCAAATGCACTTTTTTT[T>G]TTTAAGTTTTCAAACCAGAAGAACTACGACAGGCACTGATGCCAACTTTGGAGGCACTTT-3'